The following is an entry in ClinVar:

ClinVar aggregate classification (germline): Uncertain significance. Review status: criteria provided, multiple submitters, no conflicts (2 of 4 stars). 2 submissions from 2 submitters: Uncertain significance (2). Last evaluated 2023-10-07.

Conditions:
Familial thoracic aortic aneurysm and aortic dissection (TAAD). Also called: Thoracic aortic aneurysms and dissections. Identifiers: Orphanet 91387, MedGen C4707243, MONDO:0019625.
Marfan syndrome (MFS). Also called: FBN1-Related Marfan Syndrome; MARFAN SYNDROME, TYPE I; Marfan syndrome type 1; Marfan's syndrome; Marfan syndrome, classic. Identifiers: Orphanet 284963, Orphanet 558, MedGen C0024796, MONDO:0007947, OMIM 154700.

Allele frequency attached by ClinVar (database versions not stated): gnomAD 0.00001; gnomAD exomes below 0.00001.

Submissions (2):

Labcorp Genetics (formerly Invitae), Labcorp
Classification: Uncertain significance for Marfan syndrome; Familial thoracic aortic aneurysm and aortic dissection. Last evaluated: 2023-10-07. Review status: criteria provided, single submitter. Criteria: Invitae Variant Classification Sherloc (09022015). Collection method: clinical testing. Allele origin: germline.
Comment: This sequence change replaces phenylalanine, which is neutral and non-polar, with tyrosine, which is neutral and polar, at codon 187 of the FBN1 protein (p.Phe187Tyr). This variant is not present in population databases (gnomAD no frequency). This variant has not been reported in the literature in individuals affected with FBN1-related conditions. Advanced modeling of protein sequence and biophysical properties (such as structural, functional, and spatial information, amino acid conservation, physicochemical variation, residue mobility, and thermodynamic stability) performed at Invitae indicates that this missense variant is not expected to disrupt FBN1 protein function. In summary, the available evidence is currently insufficient to determine the role of this variant in disease. Therefore, it has been classified as a Variant of Uncertain Significance.

Color Diagnostics, LLC DBA Color Health
Classification: Uncertain significance for Familial thoracic aortic aneurysm and aortic dissection. Last evaluated: 2022-11-21. Review status: criteria provided, single submitter. Criteria: ACMG Guidelines, 2015. Collection method: clinical testing. Allele origin: germline.
Comment: This missense variant replaces phenylalanine with tyrosine at codon 187 of the FBN1 protein. Computational prediction suggests that this variant may not impact protein structure and function (internally defined REVEL score threshold <= 0.5, PMID: 27666373). To our knowledge, functional studies have not been reported for this variant. This variant has not been reported in individuals affected with FBN1-related disorders in the literature. This variant has not been identified in the general population by the Genome Aggregation Database (gnomAD). The available evidence is insufficient to determine the role of this variant in disease conclusively. Therefore, this variant is classified as a Variant of Uncertain Significance.

NM_000138.5(FBN1):c.560T>A (p.Phe187Tyr)

Gene: FBN1 (fibrillin 1; minus strand). Cytogenetic location: 15q21.1.
Variant type: single nucleotide variant.
Coding change: c.560T>A on transcript NM_000138.5 (MANE Select); coding-DNA position 560, T replaced by A.
Protein change: p.Phe187Tyr; replaces phenylalanine 187 with tyrosine.
Molecular consequence: missense variant.
Genome position (GRCh38, 1-based): chr15:48,537,787, A>T on the plus strand (T>A on the coding strand, the complement: FBN1 is on the minus strand). VCF-style: chr15-48537787-A-T. GRCh37 (hg19) VCF-style: chr15-48829984-A-T.
Other names: c.560T>A, p.Phe187Tyr (NM_001406716.1, NM_001406717.1); short protein forms F187Y.
Identifiers: ClinVar variation 2773401 (VCV002773401.5), dbSNP rs2044026755, ClinGen allele CA392446156.